The following is an entry in ClinVar:

NM_139027.6(ADAMTS13):c.3657C>A (p.Cys1219Ter)

Gene: ADAMTS13 (ADAM metallopeptidase with thrombospondin type 1 motif 13; plus strand). Cytogenetic location: 9q34.2.
Variant type: single nucleotide variant.
Coding change: c.3657C>A on transcript NM_139027.6 (MANE Select); coding-DNA position 3657, C replaced by A.
Protein change: p.Cys1219Ter; replaces cysteine 1219 with a stop codon.
Molecular consequence: nonsense. On other transcripts: non-coding transcript variant (1).
Genome position (GRCh38, 1-based): chr9:133,456,652, C>A. VCF-style: chr9-133456652-C-A. GRCh37 (hg19) VCF-style: chr9-136321774-C-A.
Other names: p.Cys1275*; c.3825C>A, p.Cys1275Ter (NM_139025.5); c.3564C>A, p.Cys1188Ter (NM_139026.6); short protein forms C1188*, C1219*, C1275*.
Identifiers: ClinVar variation 3234066 (VCV003234066.2), dbSNP rs782463983, ClinGen allele CA200945493.

ClinVar aggregate classification (germline): Likely pathogenic. Review status: criteria provided, multiple submitters, no conflicts (2 of 4 stars). 2 submissions from 2 submitters: Likely pathogenic (2). Last evaluated 2023-08-15.

Conditions:
Upshaw-Schulman syndrome (TTP). Also called: THROMBOTIC THROMBOCYTOPENIC PURPURA, HEREDITARY; Congenital thrombotic thrombocytopenic purpura. Identifiers: Orphanet 93583, MedGen C1268935, MONDO:0010122, OMIM 274150.

gnomAD v4.1: 1 of 1,604,616 alleles (0.000062%); highest among the groups gnomAD compares: Non-Finnish European, 0.000085%; no homozygotes.

Submissions (2):

Mayo Clinic Laboratories, Mayo Clinic
Classification: Likely pathogenic. Last evaluated: 2023-08-15. Review status: criteria provided, single submitter. Criteria: ACMG Guidelines, 2015. Collection method: clinical testing. Allele origin: germline. Observed: 1 variant allele.
Comment: PM2, PVS1

MVZ Medizinische Genetik Mainz
Classification: Likely pathogenic for Upshaw-Schulman syndrome. Last evaluated: 2022-02-09. Review status: criteria provided, single submitter. Criteria: UK Practice Guidelines For Variant Classification V4 01 2020. Collection method: clinical testing. Allele origin: germline. Inheritance: Autosomal recessive inheritance. Affected: yes. Observed: 1 variant allele.
Comment: ACMG Criteria: PVS1, PM2_SUP

Literature cited by the submitters: PubMed 26759144 (cited by Mayo Clinic Laboratories, Mayo Clinic).